The following is an entry in ClinVar:

ClinVar aggregate classification (germline): Uncertain significance (1 of 4 stars; one submission).

gnomAD v4.1: 3 of 1,614,250 alleles (0.00019%); highest among the groups gnomAD compares: South Asian, 0.0033%; no homozygotes.

Submission:

Labcorp Genetics (formerly Invitae), Labcorp
Classification: Uncertain significance. Last evaluated: 2025-12-11. Review status: criteria provided, single submitter. Criteria: Invitae Variant Classification Sherloc (09022015). Collection method: clinical testing. Allele origin: germline.
Comment: This sequence change replaces serine, which is neutral and polar, with phenylalanine, which is neutral and non-polar, at codon 445 of the EXTL3 protein (p.Ser445Phe). This variant is not present in population databases (gnomAD no frequency). This variant has not been reported in the literature in individuals affected with EXTL3-related conditions. Invitae Evidence Modeling of protein sequence and biophysical properties (such as structural, functional, and spatial information, amino acid conservation, physicochemical variation, residue mobility, and thermodynamic stability) indicates that this missense variant is not expected to disrupt EXTL3 protein function with a negative predictive value of 80%. In summary, the available evidence is currently insufficient to determine the role of this variant in disease. Therefore, it has been classified as a Variant of Uncertain Significance.

NM_001440.4(EXTL3):c.1334C>T (p.Ser445Phe)

Gene: EXTL3 (exostosin like glycosyltransferase 3; plus strand). Cytogenetic location: 8p21.1.
Variant type: single nucleotide variant.
Coding change: c.1334C>T on transcript NM_001440.4 (MANE Select); coding-DNA position 1334, C replaced by T.
Protein change: p.Ser445Phe; replaces serine 445 with phenylalanine.
Molecular consequence: missense variant.
Genome position (GRCh38, 1-based): chr8:28,717,393, C>T. VCF-style: chr8-28717393-C-T. GRCh37 (hg19) VCF-style: chr8-28574910-C-T.
Other names: c.1334C>T, p.Ser445Phe (NM_001437797.1, NM_001438399.1, NM_001438400.1 and 4 more transcripts); short protein forms S445F.
Identifiers: ClinVar variation 4780987 (VCV004780987.1).